The following is an entry in ClinVar:

ClinVar aggregate classification (germline): Uncertain significance (1 of 4 stars; one submission).

Allele frequency attached by ClinVar (database versions not stated): gnomAD exomes below 0.00001; ExAC 0.00001.
gnomAD v4.1: 1 of 1,613,862 alleles (0.000062%); highest among the groups gnomAD compares: Non-Finnish European, 0.000085%; no homozygotes.

Submission:

Labcorp Genetics (formerly Invitae), Labcorp
Classification: Uncertain significance. Last evaluated: 2021-08-30. Review status: criteria provided, single submitter. Criteria: Invitae Variant Classification Sherloc (09022015). Collection method: clinical testing. Allele origin: germline.
Comment: This sequence change replaces proline with leucine at codon 1647 of the CDH23 protein (p.Pro1647Leu). The proline residue is highly conserved and there is a moderate physicochemical difference between proline and leucine. This variant is present in population databases (rs767161713, ExAC 0.002%). This variant has not been reported in the literature in individuals affected with CDH23-related conditions. Algorithms developed to predict the effect of missense changes on protein structure and function are either unavailable or do not agree on the potential impact of this missense change (SIFT: "Deleterious"; PolyPhen-2: "Not Available"; Align-GVGD: "Class C65"). In summary, the available evidence is currently insufficient to determine the role of this variant in disease. Therefore, it has been classified as a Variant of Uncertain Significance.

NM_022124.6(CDH23):c.4940C>T (p.Pro1647Leu)

Gene: CDH23 (cadherin related 23; plus strand). Cytogenetic location: 10q22.1.
Variant type: single nucleotide variant.
Coding change: c.4940C>T on transcript NM_022124.6 (MANE Select); coding-DNA position 4940, C replaced by T.
Protein change: p.Pro1647Leu; replaces proline 1647 with leucine.
Molecular consequence: missense variant.
Genome position (GRCh38, 1-based): chr10:71,777,774, C>T. VCF-style: chr10-71777774-C-T. GRCh37 (hg19) VCF-style: chr10-73537531-C-T.
Other names: short protein forms P1647L.
Identifiers: ClinVar variation 961566 (VCV000961566.3), dbSNP rs767161713, ClinGen allele CA5545591.
Genomic context (GRCh38, chr10:71,777,774, plus strand): 5'-AGAATGATAACGCGCCCATGTTCCAGCAGCCCCACTATGAGGTGCTGCTGGATGAGGGCC[C>T]AGACACGCTCAACACCAGCCTCATCACCATCCAGGCACTGGACCTGGATGAGGGTCCCAA-3'
Protein context (NP_071407.4, residues 1637-1657): PHYEVLLDEG[Pro1647Leu]DTLNTSLITI